The following is an entry in ClinVar:

NM_000138.5(FBN1):c.442+4A>G

Gene: FBN1 (fibrillin 1; minus strand). Cytogenetic location: 15q21.1.
Variant type: single nucleotide variant.
Coding change: c.442+4A>G on transcript NM_000138.5 (MANE Select); 4 bases into the intron after coding-DNA position 442, A replaced by G.
Molecular consequence: intron variant.
Genome position (GRCh38, 1-based): chr15:48,600,135, T>C on the plus strand (A>G on the coding strand, the complement: FBN1 is on the minus strand). VCF-style: chr15-48600135-T-C. GRCh37 (hg19) VCF-style: chr15-48892332-T-C.
Other names: c.442+4A>G (NM_001406716.1, NM_001406717.1).
Identifiers: ClinVar variation 4853307 (VCV004853307.1).

ClinVar aggregate classification (germline): Uncertain significance (1 of 4 stars; one submission).

Submission:

Women's Health and Genetics/Laboratory Corporation of America, LabCorp
Classification: Uncertain significance. Last evaluated: 2026-05-11. Review status: criteria provided, single submitter. Criteria: LabCorp Variant Classification Summary - May 2015. Collection method: clinical testing. Allele origin: germline.
Comment: Variant summary: FBN1 c.442+4A>G alters a conserved nucleotide located close to a canonical splice site and therefore could affect mRNA splicing, leading to a significantly altered protein sequence. Several computational tools predict a significant impact on normal splicing: Three predict the variant weakens a 5' donor site. One predict the variant no significant impact on splicing. However, these predictions have yet to be confirmed by functional studies. The variant was absent in 251172 control chromosomes. The available data on variant occurrences in the general population are insufficient to allow any conclusion about variant significance. To our knowledge, no occurrence of c.442+4A>G in individuals affected with FBN1-related conditions and no experimental evidence demonstrating its impact on protein function have been reported. No submitters have cited clinical-significance assessments for this variant to ClinVar. Based on the evidence outlined above, the variant was classified as uncertain significance.